The following is an entry in ClinVar:

ClinVar aggregate classification (germline): Pathogenic/Likely pathogenic. Review status: criteria provided, multiple submitters, no conflicts (2 of 4 stars). 5 submissions from 5 submitters: Pathogenic (3); Likely pathogenic (2). Last evaluated 2023-06-15.

Conditions:
Hereditary cancer-predisposing syndrome. Also called: Tumor predisposition; Hereditary neoplastic syndrome; Neoplastic Syndromes, Hereditary; Hereditary Cancer Syndrome. Identifiers: Orphanet 140162, MedGen C0027672, MeSH D009386, MONDO:0015356.
Aplastic anemia. Identifiers: Orphanet 182040, Orphanet 88, MedGen C0002874, MONDO:0015909, OMIM 609135, HP:0001915.
Microcephaly, normal intelligence and immunodeficiency (NBS). Also called: BERLIN BREAKAGE SYNDROME; Immunodeficiency, microcephaly with normal intelligence; Ataxia telangiectasia variant V1; SEEMANOVA SYNDROME II; Nijmegen breakage syndrome; Microcephaly with normal intelligence immunodeficiency and lymphoreticular malignancies. Identifiers: Orphanet 647, MedGen C0398791, MONDO:0009623, OMIM 251260.

Allele frequency attached by ClinVar (database versions not stated): gnomAD exomes below 0.00001; gnomAD 0.00001.
gnomAD v4.1: 1 of 1,613,292 alleles (0.000062%); highest among the groups gnomAD compares: African/African-American, 0.0013%; no homozygotes.

Submissions (5):

Baylor Genetics
Classification: Likely pathogenic for Aplastic anemia. Last evaluated: 2023-06-15. Review status: criteria provided, single submitter. Criteria: ACMG Guidelines, 2015. Collection method: clinical testing. Allele origin: unknown.

Labcorp Genetics (formerly Invitae), Labcorp
Classification: Pathogenic for Microcephaly, normal intelligence and immunodeficiency. Last evaluated: 2023-04-10. Review status: criteria provided, single submitter. Criteria: Invitae Variant Classification Sherloc (09022015). Collection method: clinical testing. Allele origin: germline.
Comment: For these reasons, this variant has been classified as Pathogenic. ClinVar contains an entry for this variant (Variation ID: 935481). This variant has not been reported in the literature in individuals affected with NBN-related conditions. This variant is present in population databases (no rsID available, gnomAD 0.0009%). This sequence change creates a premature translational stop signal (p.Gln581*) in the NBN gene. It is expected to result in an absent or disrupted protein product. Loss-of-function variants in NBN are known to be pathogenic (PMID: 9590180, 16415040).

Ambry Genetics
Classification: Pathogenic for Hereditary cancer-predisposing syndrome. Last evaluated: 2021-12-02. Review status: criteria provided, single submitter. Criteria: Ambry Variant Classification Scheme 2023. Collection method: clinical testing. Allele origin: germline.
Comment: The p.Q581* pathogenic mutation (also known as c.1741C>T), located in coding exon 11 of the NBN gene, results from a C to T substitution at nucleotide position 1741. This changes the amino acid from a glutamine to a stop codon within coding exon 11. This variant is considered to be rare based on population cohorts in the Genome Aggregation Database (gnomAD). This alteration is expected to result in loss of function by premature protein truncation or nonsense-mediated mRNA decay. As such, this alteration is interpreted as a disease-causing mutation.

Genome-Nilou Lab
Classification: Pathogenic for Microcephaly, normal intelligence and immunodeficiency. Last evaluated: 2021-11-07. Review status: criteria provided, single submitter. Criteria: ACMG Guidelines, 2015. Collection method: clinical testing. Allele origin: germline. Affected: no.

GeneID Lab - Advanced Molecular Diagnostics
Classification: Likely pathogenic for Microcephaly, normal intelligence and immunodeficiency. Last evaluated: 2019-03-05. Review status: criteria provided, single submitter. Criteria: ACMG Guidelines, 2015. Collection method: clinical testing. Allele origin: germline. Affected: no. Observed: 1 variant allele.
Comment: This variant causes in a premature truncation of the NBN protein product, designated as p.Q581* or p.Gln581Ter. This substitution is predicted to result in a non-functional NBN protein, either through protein truncation or nonsense-mediated mRNA decay. It is considered a non-tolerated amino acid change based on “in silico” prediction algorithms (disease causing), and it has been reported in the gnomAD database at a frequency of 0.000004. Based on these findings and the limited literature regarding this substitution we consider it as a “likely pathogenic variant”.

Literature cited by the submitters: PubMed 9590180 (cited by Labcorp Genetics (formerly Invitae), Labcorp); PubMed 16415040 (cited by Labcorp Genetics (formerly Invitae), Labcorp).

NM_002485.5(NBN):c.1741C>T (p.Gln581Ter)

Gene: NBN (nibrin; minus strand). Cytogenetic location: 8q21.3.
Variant type: single nucleotide variant.
Coding change: c.1741C>T on transcript NM_002485.5 (MANE Select); coding-DNA position 1741, C replaced by T.
Protein change: p.Gln581Ter; replaces glutamine 581 with a stop codon.
Molecular consequence: nonsense.
Genome position (GRCh38, 1-based): chr8:89,953,348, G>A on the plus strand (C>T on the coding strand, the complement: NBN is on the minus strand). VCF-style: chr8-89953348-G-A. GRCh37 (hg19) VCF-style: chr8-90965576-G-A.
Other names: c.1495C>T, p.Gln499Ter (NM_001024688.3); short protein forms Q581*, Q499*.
Identifiers: ClinVar variation 935481 (VCV000935481.15), dbSNP rs1337679118, ClinGen allele CA371655198.
Genomic context (GRCh38, chr8:89,953,348, plus strand): 5'-CATTTGTTTCTATATCCATCCTTGGCCTTTTTCTAACATTGACATCTTCCTCCTGTTTTT[G>A]AACTTTCACATCAATTTCTAACTCTGGTTTTGTGTCCTTGAATAACTGTTCCAATACTTC-3'